The following is an entry in ClinVar:

NM_001284292.2(NUTM1):c.1117del (p.Arg373fs)

Genes: NUTM1 (NUT midline carcinoma family member 1; plus strand), LOC126862098 (BRD4-independent group 4 enhancer GRCh37_chr15:34645972-34647171; plus strand). Cytogenetic location: 15q14.
Variant type: Deletion.
Coding change: c.1117del on transcript NM_001284292.2 (MANE Select); coding-DNA position 1117, one base deleted (C; older notation c.1117delC).
Protein change: p.Arg373fs; shifts the reading frame from arginine 373.
Molecular consequence: frameshift variant.
Genome position (GRCh38, 1-based): chr15:34,354,487, C deleted; the last of 6 consecutive C bases (chr15:34,354,482-34,354,487); deleting any one gives the same sequence. VCF-style (leftmost placement, unchanged base first): chr15-34354481-GC-G. GRCh37 (hg19) VCF-style: chr15-34646682-GC-G.
Other names: c.1087del, p.Arg363fs (NM_001284293.2); c.1033del, p.Arg345fs (NM_175741.3); short protein forms R345fs, R363fs, R373fs.
Identifiers: ClinVar variation 2645149 (VCV002645149.24), dbSNP rs756300195, ClinGen allele CA645592016.
Genomic context (GRCh38, chr15:34,354,481, plus strand): 5'-TTCTCCTGTCCATCTCTTCCCTTAGTGTACATTCCGAAGAAGGCAGCCTCCAAGACACGG[GC>G]CCCCCGCCGGCGTCAGCGTAAAGCCCAGAGACCTCCTGCTCCTGAGGCACCCAAGGAGAT-3'

ClinVar aggregate classification (germline): Uncertain significance (1 of 4 stars; one submission).

Submission:

CeGaT Center for Human Genetics Tuebingen
Classification: Uncertain significance. Last evaluated: 2022-11-01. Review status: criteria provided, single submitter. Criteria: CeGaT Center For Human Genetics Tuebingen Variant Classification Criteria Version 2. Collection method: clinical testing. Allele origin: germline. Affected: yes. Observed: 1 variant allele.
Comment: NUTM1: PM2